The following is an entry in ClinVar:

NM_002340.6(LSS):c.1153C>G (p.Gln385Glu)

Gene: LSS (lanosterol synthase; minus strand). Cytogenetic location: 21q22.3.
Variant type: single nucleotide variant.
Coding change: c.1153C>G on transcript NM_002340.6 (MANE Select); coding-DNA position 1153, C replaced by G.
Protein change: p.Gln385Glu; replaces glutamine 385 with glutamic acid.
Molecular consequence: missense variant.
Genome position (GRCh38, 1-based): chr21:46,210,729, G>C on the plus strand (C>G on the coding strand, the complement: LSS is on the minus strand). VCF-style: chr21-46210729-G-C. GRCh37 (hg19) VCF-style: chr21-47630643-G-C.
Other names: c.1153C>G, p.Gln385Glu (NM_001001438.3); c.1120C>G, p.Gln374Glu (NM_001145436.2); c.913C>G, p.Gln305Glu (NM_001145437.2); short protein forms Q305E, Q374E, Q385E.
Identifiers: ClinVar variation 3250416 (VCV003250416.1), dbSNP rs1429182982.

ClinVar aggregate classification (germline): Uncertain significance (1 of 4 stars; one submission).

Conditions:
Alopecia-intellectual disability syndrome 4. Also called: ALOPECIA-MENTAL RETARDATION SYNDROME 4. Identifiers: MedGen C5394241, MONDO:0030009, OMIM 618840.

Submission:

Neuberg Centre For Genomic Medicine, NCGM
Classification: Uncertain significance for Alopecia-intellectual disability syndrome 4. Review status: criteria provided, single submitter. Criteria: ACMG Guidelines, 2015. Collection method: clinical testing. Allele origin: germline. Inheritance: Autosomal recessive inheritance. Affected: yes.
Comment: The observed missense variant c.1153C>G (p.Gln385Glu) in LSS gene has not been reported previously as a pathogenic variant nor as a benign variant, to our knowledge. The p.Gln385Glu variant is absent in gnomAD Exomes database. This variant has not been submitted to the ClinVar database. The amino acid change p.Gln385Glu in LSS is predicted as conserved by GERP++ and PhyloP across 100 vertebrates. The amino acid Gln at position 385 is changed to a Glu changing protein sequence and it might alter its composition and physico-chemical properties. For these reasons, this variant has been classified as a Variant of Uncertain Significance (VUS).